The following is an entry in ClinVar:

NM_001170700.3(DTHD1):c.1252G>C (p.Gly418Arg)

Gene: DTHD1 (death domain containing 1; plus strand). Cytogenetic location: 4p14.
Variant type: single nucleotide variant.
Coding change: c.1252G>C on transcript NM_001170700.3 (MANE Select); coding-DNA position 1252, G replaced by C.
Protein change: p.Gly418Arg; replaces glycine 418 with arginine.
Molecular consequence: missense variant. On other transcripts: non-coding transcript variant (1), intron variant (1).
Genome position (GRCh38, 1-based): chr4:36,293,559, G>C. VCF-style: chr4-36293559-G-C. GRCh37 (hg19) VCF-style: chr4-36295181-G-C.
Other names: c.382G>C, p.Gly128Arg (NM_001136536.5); c.349-30G>C (NM_001378435.1); short protein forms G128R, G418R.
Identifiers: ClinVar variation 1420904 (VCV001420904.6), dbSNP rs376079497, ClinGen allele CA356679392.

ClinVar aggregate classification (germline): Uncertain significance (1 of 4 stars; one submission).

Allele frequency attached by ClinVar (database versions not stated): gnomAD exomes 0.00001; TOPMed 0.00003.
gnomAD v4.1: 7 of 1,545,586 alleles (0.00045%); highest among the groups gnomAD compares: Non-Finnish European, 0.00026%; no homozygotes.

Submission:

Labcorp Genetics (formerly Invitae), Labcorp
Classification: Uncertain significance. Last evaluated: 2025-07-24. Review status: criteria provided, single submitter. Criteria: Invitae Variant Classification Sherloc (09022015). Collection method: clinical testing. Allele origin: germline.
Comment: This sequence change replaces glycine, which is neutral and non-polar, with arginine, which is basic and polar, at codon 128 of the DTHD1 protein (p.Gly128Arg). This variant is present in population databases (no rsID available, gnomAD 0.002%). This variant has not been reported in the literature in individuals affected with DTHD1-related conditions. ClinVar contains an entry for this variant (Variation ID: 1420904). An algorithm developed to predict the effect of missense changes on protein structure and function (PolyPhen-2) suggests that this variant is likely to be disruptive. In summary, the available evidence is currently insufficient to determine the role of this variant in disease. Therefore, it has been classified as a Variant of Uncertain Significance.